The following is an entry in ClinVar:

ClinVar aggregate classification (germline): Uncertain significance (1 of 4 stars; one submission).

Allele frequency attached by ClinVar (database versions not stated): ExAC 0.00001; gnomAD 0.00001; TOPMed 0.00002; gnomAD exomes 0.00004; ESP Exome Variant Server 0.00008.

Submission:

Labcorp Genetics (formerly Invitae), Labcorp
Classification: Uncertain significance. Last evaluated: 2022-08-20. Review status: criteria provided, single submitter. Criteria: Invitae Variant Classification Sherloc (09022015). Collection method: clinical testing. Allele origin: germline.
Comment: This sequence change replaces arginine, which is basic and polar, with lysine, which is basic and polar, at codon 157 of the ABCD3 protein (p.Arg157Lys). This variant is present in population databases (rs201088281, gnomAD 0.003%). This variant has not been reported in the literature in individuals affected with ABCD3-related conditions. Algorithms developed to predict the effect of missense changes on protein structure and function are either unavailable or do not agree on the potential impact of this missense change (SIFT: "Tolerated"; PolyPhen-2: "Possibly Damaging"; Align-GVGD: "Class C0"). In summary, the available evidence is currently insufficient to determine the role of this variant in disease. Therefore, it has been classified as a Variant of Uncertain Significance.

NM_002858.4(ABCD3):c.470G>A (p.Arg157Lys)

Gene: ABCD3 (ATP binding cassette subfamily D member 3; plus strand). Cytogenetic location: 1p21.3.
Variant type: single nucleotide variant.
Coding change: c.470G>A on transcript NM_002858.4 (MANE Select); coding-DNA position 470, G replaced by A.
Protein change: p.Arg157Lys; replaces arginine 157 with lysine.
Molecular consequence: missense variant.
Genome position (GRCh38, 1-based): chr1:94,475,207, G>A. VCF-style: chr1-94475207-G-A. GRCh37 (hg19) VCF-style: chr1-94940763-G-A.
Other names: c.470G>A, p.Arg157Lys (NM_001122674.2); short protein forms R157K.
Identifiers: ClinVar variation 2422114 (VCV002422114.6), dbSNP rs201088281, ClinGen allele CA960129.
Genomic context (GRCh38, chr1:94,475,207, plus strand): 5'-CTCTGGTTAATAACTTCTTGAAGTATGGGTTAAATGAGCTTAAACTGTGCTTCCGAGTAA[G>A]GCTCACTAAATACCTCTATGAGGAGTATCTTCAGTAAGTGATAACCTATTTTTATATTAA-3'
Protein context (NP_002849.1, residues 147-167): LNELKLCFRV[Arg157Lys]LTKYLYEEYL